The following is an entry in ClinVar:

NM_001723.7(DST):c.5975del (p.Asn1992fs)

Gene: DST (dystonin; minus strand). Cytogenetic location: 6p12.1.
Variant type: Deletion.
Coding change: c.5975del on transcript NM_001723.7 (MANE Plus Clinical); coding-DNA position 5975, one base deleted (A; older notation c.5975delA).
Protein change: p.Asn1992fs; shifts the reading frame from asparagine 1992.
Molecular consequence: frameshift variant. On other transcripts: intron variant (10).
Genome position (GRCh38, 1-based): chr6:56,618,059, T deleted on the plus strand (A on the coding strand, the reverse complement: DST is on the minus strand); the first of 2 consecutive T bases (chr6:56,618,059-56,618,060); deleting either gives the same sequence. VCF-style (leftmost placement, unchanged base first): chr6-56618058-AT-A. GRCh37 (hg19) VCF-style: chr6-56482856-AT-A.
Other names: c.4831-3575del (NM_001144769.5); c.4930-3575del (NM_001374722.1, NM_001374736.1); c.4957-3575del (NM_001374734.1); c.4417-3575del (NM_001144770.2); c.4297-3575del (NM_001374730.1, NM_001386100.1, NM_183380.4 and 1 more transcripts); c.3319-3575del (NM_015548.5); short protein forms N1992fs.
Identifiers: ClinVar variation 835815 (VCV000835815.10), dbSNP rs2098645980, ClinGen allele CA916082845.

ClinVar aggregate classification (germline): Uncertain significance (1 of 4 stars; one submission).

Conditions:
Hereditary sensory and autonomic neuropathy type 6. Also called: Neuropathy, hereditary sensory and autonomic, type VI; HSAN VI. Identifiers: Orphanet 314381, MedGen C3539003, MONDO:0013839, OMIM 614653.
Epidermolysis bullosa simplex 3, localized or generalized intermediate, with BP230 deficiency (EBS3). Also called: Epidermolysis bullosa simplex, autosomal recessive 2; Epidermolysis bullosa simplex due to BP230 deficiency. Identifiers: Orphanet 412181, MedGen C3809470, MONDO:0014180, OMIM 615425.

Submission:

Labcorp Genetics (formerly Invitae), Labcorp
Classification: Uncertain significance for Epidermolysis bullosa simplex 3, localized or generalized intermediate, with BP230 deficiency; Hereditary sensory and autonomic neuropathy type 6. Last evaluated: 2019-02-12. Review status: criteria provided, single submitter. Criteria: Invitae Variant Classification Sherloc (09022015). Collection method: clinical testing. Allele origin: germline.
Comment: In summary, the available evidence is currently insufficient to determine the role of this variant in disease. Therefore, it has been classified as a Variant of Uncertain Significance. This variant disrupts the C-terminus of the DST protein. Other variant(s) that disrupt this region (p.Gln2187*) have been observed in individuals with DST-related conditions (PMID: 28558912). This suggests that this may be a clinically significant region of the protein. Experimental studies and prediction algorithms are not available for this variant, and the functional significance of the affected amino acid(s) is currently unknown. This variant has not been reported in the literature in individuals with DST-related conditions. This variant is not present in population databases (ExAC no frequency). This sequence change results in a premature translational stop signal in the DST gene (p.Asn1992Ilefs*18). While this is not anticipated to result in nonsense mediated decay, it is expected to disrupt the last 568 amino acids of the DST protein.

Literature cited by the submitters: PubMed 28558912.